The following is an entry in ClinVar:

ClinVar aggregate classification (germline): Likely benign. Review status: criteria provided, multiple submitters, no conflicts (2 of 4 stars). 5 submissions from 5 submitters: Likely benign (5). Last evaluated 2026-01-19.

Conditions:
Dilated cardiomyopathy 1G (CMD1G). Identifiers: Orphanet 154, MedGen C1858763, MONDO:0011400, OMIM 604145.
Autosomal recessive limb-girdle muscular dystrophy type 2J (LGMDR10). Also called: Limb-girdle muscular dystrophy, type 2J; MUSCULAR DYSTROPHY, LIMB-GIRDLE, AUTOSOMAL RECESSIVE 10. Identifiers: Orphanet 140922, MedGen C1837342, MONDO:0012127, OMIM 608807.

Allele frequency attached by ClinVar (database versions not stated): TOPMed 0.00005; gnomAD exomes 0.00006 and 0.00009; gnomAD 0.00008 and 0.00009; ExAC 0.00010; 1000 Genomes Project 0.00020; 1000 Genomes Project 30x 0.00031.
gnomAD v4.1: 106 of 1,614,058 alleles (0.0066%); highest among the groups gnomAD compares: Middle Eastern, 0.033%; no homozygotes.

Submissions (5):

Labcorp Genetics (formerly Invitae), Labcorp
Classification: Likely benign for Dilated cardiomyopathy 1G; Autosomal recessive limb-girdle muscular dystrophy type 2J. Last evaluated: 2026-01-19. Review status: criteria provided, single submitter. Criteria: Invitae Variant Classification Sherloc (09022015). Collection method: clinical testing. Allele origin: germline.

Women's Health and Genetics/Laboratory Corporation of America, LabCorp
Classification: Likely benign. Last evaluated: 2024-12-12. Review status: criteria provided, single submitter. Criteria: LabCorp Variant Classification Summary - May 2015. Collection method: clinical testing. Allele origin: germline.

Blueprint Genetics
Classification: Likely benign. Last evaluated: 2024-03-02. Review status: criteria provided, single submitter. Criteria: ACMG Guidelines, 2015. Collection method: clinical testing. Allele origin: germline.

ARUP Laboratories, Molecular Genetics and Genomics, ARUP Laboratories
Classification: Likely benign. Last evaluated: 2023-10-11. Review status: criteria provided, single submitter. Criteria: ARUP Molecular Germline Variant Investigation Process 2024. Collection method: clinical testing. Allele origin: germline.

GeneDx
Classification: Likely benign. Last evaluated: 2018-04-04. Review status: criteria provided, single submitter. Criteria: GeneDx Variant Classification (06012015). Collection method: clinical testing. Allele origin: germline. Affected: yes.
Comment: This variant is considered likely benign or benign based on one or more of the following criteria: it is a conservative change, it occurs at a poorly conserved position in the protein, it is predicted to be benign by multiple in silico algorithms, and/or has population frequency not consistent with disease.

NM_001267550.2(TTN):c.7058-17C>T

Genes: TTN (titin; minus strand), LOC126806433 (BRD4-independent group 4 enhancer GRCh37_chr2:179638309-179639508; plus strand). Cytogenetic location: 2q31.2.
Variant type: single nucleotide variant.
Coding change: c.7058-17C>T on transcript NM_001267550.2 (MANE Select); 17 bases into the intron before coding-DNA position 7058, C replaced by T.
Molecular consequence: intron variant.
Genome position (GRCh38, 1-based): chr2:178,774,127, G>A on the plus strand (C>T on the coding strand, the complement: TTN is on the minus strand). VCF-style: chr2-178774127-G-A. GRCh37 (hg19) VCF-style: chr2-179638854-G-A.
Other names: c.7058-17C>T (NM_001256850.1, NM_133378.4, NM_133379.5); c.6920-17C>T (NM_003319.4, NM_133437.4, NM_133432.3).
Identifiers: ClinVar variation 669708 (VCV000669708.17), dbSNP rs572098454, ClinGen allele CA2004904.